The following is an entry in ClinVar:

ClinVar aggregate classification (germline): Likely benign (1 of 4 stars; one submission).

gnomAD v4.1: 124 of 1,614,090 alleles (0.0077%); highest among the groups gnomAD compares: Non-Finnish European, 0.01%; no homozygotes.

Submission:

CeGaT Center for Human Genetics Tuebingen
Classification: Likely benign. Last evaluated: 2024-09-01. Review status: criteria provided, single submitter. Criteria: CeGaT Center For Human Genetics Tuebingen Variant Classification Criteria Version 2. Collection method: clinical testing. Allele origin: germline. Affected: yes. Observed: 1 variant allele.
Comment: AGO2: BP4, BP7

NM_012154.5(AGO2):c.1668G>A (p.Thr556=)

Gene: AGO2 (argonaute RISC catalytic component 2; minus strand). Cytogenetic location: 8q24.3.
Variant type: single nucleotide variant.
Coding change: c.1668G>A on transcript NM_012154.5 (MANE Select); coding-DNA position 1668, G replaced by A.
Protein change: p.Thr556=; no amino-acid change (threonine 556 retained).
Molecular consequence: synonymous variant.
Genome position (GRCh38, 1-based): chr8:140,547,548, C>T on the plus strand (G>A on the coding strand, the complement: AGO2 is on the minus strand). VCF-style: chr8-140547548-C-T. GRCh37 (hg19) VCF-style: chr8-141557647-C-T.
Other names: c.1668G>A, p.Thr556= (NM_001164623.3).
Identifiers: ClinVar variation 3388283 (VCV003388283.14).
Genomic context (GRCh38, chr8:140,547,548, plus strand): 5'-GTTGTTCACGCCTCCCAGCTTGACGTTGATCTTCAGGCAGAGGTTGGACAGGGTCTGTGG[C>T]GTGGTCCTCTGCACGTTCTTCATCTGCACGCACTGCGTGGCCATCCCCAGCACCGTGTCT-3'
Protein context (NP_036286.2, residues 546-566): CVQMKNVQRT[Thr556=]PQTLSNLCLK